The following is an entry in ClinVar:

NM_000552.5(VWF):c.5278G>A (p.Val1760Ile)

Gene: VWF (von Willebrand factor; minus strand). Cytogenetic location: 12p13.31.
Variant type: single nucleotide variant.
Coding change: c.5278G>A on transcript NM_000552.5 (MANE Select); coding-DNA position 5278, G replaced by A.
Protein change: p.Val1760Ile; replaces valine 1760 with isoleucine.
Molecular consequence: missense variant.
Genome position (GRCh38, 1-based): chr12:6,016,549, C>T on the plus strand (G>A on the coding strand, the complement: VWF is on the minus strand). VCF-style: chr12-6016549-C-T. GRCh37 (hg19) VCF-style: chr12-6125715-C-T.
Other names: p.Val1760Ile; short protein forms V1760I.
Identifiers: ClinVar variation 100422 (VCV000100422.68), dbSNP rs61750604, ClinGen allele CA228708.

ClinVar aggregate classification (germline): Conflicting classifications of pathogenicity. Review status: criteria provided, conflicting classifications (1 of 4 stars). 15 submissions from 15 submitters: Likely pathogenic (1); Uncertain significance (9); Likely benign (1). 4 of the submissions do not count toward it. Last evaluated 2026-10-14.

Conditions:
von Willebrand disease type 1 (VWD1). Also called: VON WILLEBRAND DISEASE, TYPE I; VWD, TYPE 1. Identifiers: Orphanet 166078, Orphanet 903, MedGen C1264039, MONDO:0008668, OMIM 193400. Inheritance: autosomal recessive or autosomal dominant.
von Willebrand disease type 3 (VWD3). Also called: Type 3 Von Willebrand's disease; Type 3 VWD; Von Willebrand disease, severe form; V WD3; VON WILLEBRAND DISEASE, TYPE III. Identifiers: Orphanet 166096, MedGen C1264041, MONDO:0010191, OMIM 277480.
VWF-related disorder. Also called: VWF-related condition; VWF-related disorders.
Hereditary von Willebrand disease. Identifiers: Orphanet 903, MedGen C5703318, MONDO:0019565. Inheritance: Autosomal recessive or Autosomal dominant.
Abnormality of coagulation. Identifiers: MedGen C1846821, HP:0001928.

Allele frequency attached by ClinVar (database versions not stated): 1000 Genomes Project 0.00080; TOPMed 0.00086; 1000 Genomes Project 30x 0.00094; gnomAD 0.00094; ESP Exome Variant Server 0.00108.
gnomAD v4.1: 1,695 of 1,614,194 alleles (0.11%); highest among the groups gnomAD compares: Non-Finnish European, 0.13%; 4 homozygotes.

Submissions (15):

GeneDx
Classification: Uncertain significance. Last evaluated: 2026-10-14. Review status: criteria provided, single submitter. Criteria: GeneDx Variant Classification Process June 2021. Collection method: clinical testing. Allele origin: germline.
Comment: Has been reported previously in individuals with unspecified coagulation disorder and/or clinical diagnoses of von Willebrand disease; in some individuals, a second variant in the VWF gene was identified, but it is not known whether the variants occurred on the same (in cis) or on different (in trans) chromosomes (PMID: 17190853, 26207643, 28971901, 31064749, 33807613, 33556167, 40393667); In silico analysis suggests that this missense variant does not alter protein structure/function; This variant is associated with the following publications: (PMID: 26207643, 31064749, 21534937, 28971901, 23216583, 33556167, 31249928, 19506353, 29924855, 33477601, 33807613, 39002731, 37466676, 30722078, 38968155, 40393667, 17190853)

Women's Health and Genetics/Laboratory Corporation of America, LabCorp
Classification: Uncertain significance. Last evaluated: 2026-05-29. Review status: criteria provided, single submitter. Criteria: LabCorp Variant Classification Summary - May 2015. Collection method: clinical testing. Allele origin: germline.
Comment: Variant summary: VWF c.5278G>A (p.Val1760Ile) results in a conservative amino acid change located in the von Willebrand factor, type A domain (IPR002035) of the encoded protein sequence. Algorithms developed to predict the effect of missense changes on protein structure and function all suggest that this variant is likely to be tolerated. The variant allele was found at a frequency of 0.00076 in 251378 control chromosomes, predominantly at a frequency of 0.0014 within the Non-Finnish European subpopulation in the gnomAD database. This frequency is not significantly higher than estimated for disease-causing variants in VWF, allowing no conclusion about variant significance. c.5278G>A has been observed in individuals affected with Von Willebrand Disease (e.g. James_2007, Meegeren_2015, Borras_2017, Downes_2019, Vangenechten_2019, Gindele_2021, Preisler_2021, Sadler_2021, Yadegari_2026). These data do not allow any conclusion about variant significance. To our knowledge, no experimental evidence demonstrating an impact on protein function has been reported. The following publications have been ascertained in the context of this evaluation (PMID: 28971901, 37466676, 31064749, 33807613, 17190853, 26207643, 33477601, 33556167, 30722078, 40393667). ClinVar contains an entry for this variant (Variation ID: 100422). Based on the evidence outlined above, the variant was classified as uncertain significance.

Mayo Clinic Laboratories, Mayo Clinic
Classification: Uncertain significance. Last evaluated: 2025-08-26. Review status: criteria provided, single submitter. Criteria: ACMG Guidelines, 2015. Collection method: clinical testing. Allele origin: germline. Observed: 4 variant alleles.
Comment: BS2, BP4_moderate, PS4_moderate

Blueprint Genetics
Classification: Uncertain significance. Last evaluated: 2024-11-21. Review status: criteria provided, single submitter. Criteria: ACMG Guidelines, 2015. Collection method: clinical testing. Allele origin: germline.

CeGaT Center for Human Genetics Tuebingen
Classification: Likely benign. Last evaluated: 2024-06-01. Review status: criteria provided, single submitter. Criteria: CeGaT Center For Human Genetics Tuebingen Variant Classification Criteria Version 2. Collection method: clinical testing. Allele origin: germline. Affected: yes. Observed: 4 variant alleles.
Comment: VWF: BP4

Mendelics
Classification: Uncertain significance. Last evaluated: 2022-05-04. Review status: criteria provided, single submitter. Criteria: Mendelics Assertion Criteria 2019. Collection method: clinical testing. Allele origin: germline.

Department of Pathology and Laboratory Medicine, Sinai Health System
Classification: Uncertain significance for von Willebrand disease type 1; von Willebrand disease type 3. Last evaluated: 2021-09-15. Review status: criteria provided, single submitter. Criteria: ACMG Guidelines, 2015. Collection method: research. Allele origin: germline.

Victorian Clinical Genetics Services, Murdoch Childrens Research Institute
Classification: Uncertain significance for Hereditary von Willebrand disease. Last evaluated: 2020-10-19. Review status: criteria provided, single submitter. Criteria: ACMG Guidelines, 2015. Collection method: clinical testing. Allele origin: germline.
Comment: Based on the classification scheme VCGS_Germline_v1.3.3, this variant is classified as 3B-VUS. Following criteria are met: 0103- Loss of function is known mechanism of disease in this gene and is associated with von Willebrand disease, while dominant negative has been stipulated for a single missense variant (OMIM, PMID: 11698279). (I) 0108 - This gene is associated with both recessive and dominant disease. von Willebrand disease can be both dominantly and recessively inherited, and is categorised into 6 different types: 1 (MIM#193400), 2A, 2B, 2M, 2N (MIM#613554) and 3 (MIM#277480). (I) 0200 - Variant is predicted to result in a missense amino acid change from valine to isoleucine. (I) 0251 - This variant is heterozygous. (I) 0304 - Variant is present in gnomAD <0.01 for a recessive condition (v2: 212 heterozygotes, 1 homozygote). (SP) 0309 - An alternative amino acid change at the same position has been observed in gnomAD (v2) (2 heterozygote, 0 homozygotes). (I) 0503 - Missense variant consistently predicted to be tolerated by multiple in silico tools or not conserved in placental mammals with a minor amino acid change. (SB) 0600 - Variant is located in the annotated VWA_3 domain (PDB). (I) 0705 - No comparable missense variants have previous evidence for pathogenicity. (I) 0809 - Previous evidence of pathogenicity for this variant is inconclusive. It has been described as a variant of uncertain significance by diagnostic laboratories and has been reported in patients with autosomal dominant Type1 von Willebrand disease (MIM#193400) and a single report of a patient with autosomal recessive Type 2N von Willebrand disease (MIM#613554). However, in the reports of Type 1 patients, this variant is one of two variants detected therefore making its pathogenicity tenous (ClinVar, PMID: 17190853, 28971901, 30722078, 26207643). (I) 1007 - No published functional evidence has been identified for this variant. (I) 1208 - Inheritance information for this variant is not currently available in this individual. (I) Legend: (SP) - Supporting pathogenic, (I) - Information, (SB) - Supporting benign

Quest Diagnostics Nichols Institute San Juan Capistrano
Classification: Uncertain significance. Last evaluated: 2020-10-09. Review status: criteria provided, single submitter. Criteria: Quest Diagnostics criteria. Collection method: clinical testing. Allele origin: unknown.

ARUP Laboratories, Molecular Genetics and Genomics, ARUP Laboratories
Classification: Uncertain significance. Last evaluated: 2019-06-27. Review status: criteria provided, single submitter. Criteria: ARUP Molecular Germline Variant Investigation Process. Collection method: clinical testing. Allele origin: germline.
Comment: The VWF c.5278G>A; p.Val1760Ile variant (rs61750604) is reported in the literature in several individuals and families affected with von Willebrand disease type 1, although its clinical significance was not determined (Borras 2017, James 2007, Johansson 2011). This variant is found in the non-Finnish European population with an overall allele frequency of 0.14% (176/129096 alleles, including one homozygote) in the Genome Aggregation Database. The valine at codon 1760 is weakly conserved, and computational analyses (SIFT, PolyPhen-2) predict that this variant is tolerated. However, due to limited information, the clinical significance of the p.Val1760Ile variant is uncertain at this time. References: Borras N et al. Molecular and clinical profile of von Willebrand disease in Spain (PCM-EVW-ES): comprehensive genetic analysis by next-generation sequencing of 480 patients. Haematologica. 2017 Dec;102(12):2005-2014. James PD et al. The mutational spectrum of type 1 von Willebrand disease: Results from a Canadian cohort study. Blood. 2007 Jan 1;109(1):145-54. Johansson AM et al. Variation in the VWF gene in Swedish patients with type 1 von Willebrand Disease. Ann Hum Genet. 2011 Jul;75(4):447-55.

NIHR Bioresource Rare Diseases, University of Cambridge
Classification: Likely pathogenic for Abnormality of coagulation. Last evaluated: 2019-02-01. Review status: criteria provided, single submitter. Criteria: ACMG Guidelines, 2015. Collection method: research. Allele origin: unknown. Affected: yes. Observed: 1 heterozygote. Study: ThromboGenomics.

PreventionGenetics, part of Exact Sciences
Classification: Uncertain significance for VWF-related condition. Last evaluated: 2024-04-25. Review status: no assertion criteria provided. Collection method: clinical testing. Allele origin: germline. Not counted in ClinVar's aggregate classification.
Comment: The VWF c.5278G>A variant is predicted to result in the amino acid substitution p.Val1760Ile. This variant has been reported in individuals with Von Willebrand disease, yet some of these individuals carried a second VWF variant with unknown phase, and no functional or family segregation studies clearly support its pathogenicity (James et al. 2007. PubMed ID: 17190853; Downes et al. 2019. PubMed ID: 31064749; Sadler et al. 2021. PubMed ID: 33556167). This variant is reported in 0.14% of alleles in individuals of European (Non-Finnish) descent in gnomAD. At this time, the clinical significance of this variant is uncertain due to the absence of conclusive functional and genetic evidence.

Academic Unit of Haematology, University of Sheffield
No classification provided. Review status: no classification provided. Collection method: not provided. Allele origin: not provided. Not counted in ClinVar's aggregate classification.

Genome Diagnostics Laboratory, University Medical Center Utrecht
Classification: Likely benign. Review status: flagged submission. Collection method: clinical testing. Allele origin: germline. Affected: yes. Study: VKGL Data-share Consensus. Not counted in ClinVar's aggregate classification.
ClinVar note: Reason: Outlier claim with insufficient supporting evidence

Joint Genome Diagnostic Labs from Nijmegen and Maastricht, Radboudumc and MUMC+
Classification: Likely benign. Review status: flagged submission. Collection method: clinical testing. Allele origin: germline. Affected: yes. Study: VKGL Data-share Consensus. Not counted in ClinVar's aggregate classification.
ClinVar note: Reason: Outlier claim with insufficient supporting evidence

Literature cited by the submitters: PubMed 28971901 (cited by 4 submitters); PubMed 31064749 (cited by 4 submitters); PubMed 33807613 (cited by Women's Health and Genetics/Laboratory Corporation of America, LabCorp and Mayo Clinic Laboratories, Mayo Clinic); PubMed 33556167 (cited by Women's Health and Genetics/Laboratory Corporation of America, LabCorp and Mayo Clinic Laboratories, Mayo Clinic); PubMed 17190853 (cited by 4 submitters); PubMed 30722078 (cited by 4 submitters); PubMed 33477601 (cited by Women's Health and Genetics/Laboratory Corporation of America, LabCorp and Mayo Clinic Laboratories, Mayo Clinic); PubMed 37466676 (cited by Women's Health and Genetics/Laboratory Corporation of America, LabCorp); PubMed 26207643 (cited by 3 submitters); PubMed 40393667 (cited by Women's Health and Genetics/Laboratory Corporation of America, LabCorp); PubMed 18510569 (cited by Mayo Clinic Laboratories, Mayo Clinic); PubMed 19506353 (cited by Mayo Clinic Laboratories, Mayo Clinic and Quest Diagnostics Nichols Institute San Juan Capistrano); PubMed 29924855 (cited by Mayo Clinic Laboratories, Mayo Clinic and Quest Diagnostics Nichols Institute San Juan Capistrano); PubMed 31249928 (cited by Mayo Clinic Laboratories, Mayo Clinic and Quest Diagnostics Nichols Institute San Juan Capistrano); PubMed 11698279 (cited by Victorian Clinical Genetics Services, Murdoch Childrens Research Institute).